The following is an entry in ClinVar:

ClinVar aggregate classification (germline): Uncertain significance. Review status: criteria provided, multiple submitters, no conflicts (2 of 4 stars). 2 submissions from 2 submitters: Uncertain significance (2). Last evaluated 2026-01-22.

Conditions:
Myofibrillar myopathy 3 (MFM3). Also called: Muscular dystrophy, proximal, type 1A; Autosomal dominant spheroid body myopathy. Identifiers: Orphanet 266, Orphanet 268129, MedGen C3714934, MONDO:0012215, OMIM 609200.

Allele frequency attached by ClinVar (database versions not stated): TOPMed below 0.00001; gnomAD exomes 0.00001.
gnomAD v4.1: 2 of 1,613,988 alleles (0.00012%); no homozygotes.

Submissions (2):

Labcorp Genetics (formerly Invitae), Labcorp
Classification: Uncertain significance for Myofibrillar myopathy 3. Last evaluated: 2026-01-22. Review status: criteria provided, single submitter. Criteria: Invitae Variant Classification Sherloc (09022015). Collection method: clinical testing. Allele origin: germline.
Comment: This sequence change replaces leucine, which is neutral and non-polar, with phenylalanine, which is neutral and non-polar, at codon 171 of the MYOT protein (p.Leu171Phe). This variant is present in population databases (no rsID available, gnomAD 0.004%). This variant has not been reported in the literature in individuals affected with MYOT-related conditions. ClinVar contains an entry for this variant (Variation ID: 1025125). Invitae Evidence Modeling of protein sequence and biophysical properties (such as structural, functional, and spatial information, amino acid conservation, physicochemical variation, residue mobility, and thermodynamic stability) indicates that this missense variant is not expected to disrupt MYOT protein function with a negative predictive value of 80%. In summary, the available evidence is currently insufficient to determine the role of this variant in disease. Therefore, it has been classified as a Variant of Uncertain Significance.

Mayo Clinic Laboratories, Mayo Clinic
Classification: Uncertain significance. Last evaluated: 2020-06-12. Review status: criteria provided, single submitter. Criteria: ACMG Guidelines, 2015. Collection method: clinical testing. Allele origin: germline. Observed: 1 variant allele.

NM_006790.3(MYOT):c.511C>T (p.Leu171Phe)

Genes: PKD2L2-DT (PKD2L2 divergent transcript; minus strand), MYOT (myotilin; plus strand). Cytogenetic location: 5q31.2.
Variant type: single nucleotide variant.
Coding change: c.511C>T on transcript NM_006790.3 (MANE Select); coding-DNA position 511, C replaced by T.
Protein change: p.Leu171Phe; replaces leucine 171 with phenylalanine.
Molecular consequence: missense variant. On other transcripts: 5 prime UTR variant (1).
Genome position (GRCh38, 1-based): chr5:137,875,983, C>T. VCF-style: chr5-137875983-C-T. GRCh37 (hg19) VCF-style: chr5-137211672-C-T.
Other names: c.-42C>T (NM_001135940.2); c.166C>T, p.Leu56Phe (NM_001300911.2); short protein forms L171F, L56F.
Identifiers: ClinVar variation 1025125 (VCV001025125.13), dbSNP rs997275341, ClinGen allele CA128100361.